The following is an entry in ClinVar:

NM_052876.4(NACC1):c.949G>A (p.Glu317Lys)

Gene: NACC1 (nucleus accumbens associated 1; plus strand). Cytogenetic location: 19p13.13.
Variant type: single nucleotide variant.
Coding change: c.949G>A on transcript NM_052876.4 (MANE Select); coding-DNA position 949, G replaced by A.
Protein change: p.Glu317Lys; replaces glutamic acid 317 with lysine.
Molecular consequence: missense variant.
Genome position (GRCh38, 1-based): chr19:13,136,234, G>A. VCF-style: chr19-13136234-G-A. GRCh37 (hg19) VCF-style: chr19-13247048-G-A.
Other names: short protein forms E317K.
Identifiers: ClinVar variation 1466382 (VCV001466382.8), dbSNP rs1002458636, ClinGen allele CA305553596.

ClinVar aggregate classification (germline): Uncertain significance (1 of 4 stars; one submission).

Allele frequency attached by ClinVar (database versions not stated): gnomAD exomes below 0.00001; TOPMed below 0.00001.
gnomAD v4.1: 2 of 1,611,940 alleles (0.00012%); highest among the groups gnomAD compares: Non-Finnish European, 0.00017%; no homozygotes.

Submission:

Labcorp Genetics (formerly Invitae), Labcorp
Classification: Uncertain significance. Last evaluated: 2022-02-11. Review status: criteria provided, single submitter. Criteria: Invitae Variant Classification Sherloc (09022015). Collection method: clinical testing. Allele origin: germline.
Comment: In summary, the available evidence is currently insufficient to determine the role of this variant in disease. Therefore, it has been classified as a Variant of Uncertain Significance. Algorithms developed to predict the effect of missense changes on protein structure and function are either unavailable or do not agree on the potential impact of this missense change (SIFT: "Deleterious"; PolyPhen-2: "Benign"; Align-GVGD: "Class C55"). This variant has not been reported in the literature in individuals affected with NACC1-related conditions. This variant is present in population databases (no rsID available, gnomAD 0.0009%). This sequence change replaces glutamic acid, which is acidic and polar, with lysine, which is basic and polar, at codon 317 of the NACC1 protein (p.Glu317Lys).